The following is an entry in ClinVar:

ClinVar aggregate classification (germline): Conflicting classifications of pathogenicity. Review status: criteria provided, conflicting classifications (1 of 4 stars). 3 submissions from 3 submitters: Uncertain significance (2); Likely benign (1). Last evaluated 2024-09-25.

Conditions:
Hereditary cancer-predisposing syndrome. Also called: Tumor predisposition; Hereditary Cancer Syndrome; Hereditary neoplastic syndrome; Neoplastic Syndromes, Hereditary. Identifiers: Orphanet 140162, MedGen C0027672, MeSH D009386, MONDO:0015356.
Hereditary nonpolyposis colorectal neoplasms. Identifiers: MedGen C0009405, MeSH D003123.

Allele frequency attached by ClinVar (database versions not stated): gnomAD 0.00001.
gnomAD v4.1: 6 of 1,612,830 alleles (0.00037%); highest among the groups gnomAD compares: Admixed American, 0.0017%; no homozygotes.

Submissions (3):

Labcorp Genetics (formerly Invitae), Labcorp
Classification: Likely benign for Hereditary nonpolyposis colorectal neoplasms. Last evaluated: 2024-09-25. Review status: criteria provided, single submitter. Criteria: Invitae Variant Classification Sherloc (09022015). Collection method: clinical testing. Allele origin: germline.

Ambry Genetics
Classification: Uncertain significance for Hereditary cancer-predisposing syndrome. Last evaluated: 2024-09-17. Review status: criteria provided, single submitter. Criteria: Ambry Variant Classification Scheme 2023. Collection method: clinical testing. Allele origin: germline.
Comment: The p.Y1038H variant (also known as c.3112T>C), located in coding exon 4 of the MSH6 gene, results from a T to C substitution at nucleotide position 3112. The tyrosine at codon 1038 is replaced by histidine, an amino acid with similar properties. This amino acid position is well conserved in available vertebrate species. In addition, the in silico prediction for this alteration is inconclusive. Based on the available evidence, the clinical significance of this variant remains unclear.

Color Diagnostics, LLC DBA Color Health
Classification: Uncertain significance for Hereditary cancer-predisposing syndrome. Last evaluated: 2024-03-06. Review status: criteria provided, single submitter. Criteria: ACMG Guidelines, 2015. Collection method: clinical testing. Allele origin: germline.
Comment: This missense variant replaces tyrosine with histidine at codon 1038 of the MSH6 protein. Computational prediction suggests that this variant may not impact protein structure and function (internally defined REVEL score threshold <= 0.5, PMID: 27666373). To our knowledge, functional studies have not been reported for this variant. This variant has not been reported in individuals affected with hereditary cancer in the literature. This variant has been identified in 1/31408 chromosomes in the general population by the Genome Aggregation Database (gnomAD). The available evidence is insufficient to determine the role of this variant in disease conclusively. Therefore, this variant is classified as a Variant of Uncertain Significance

NM_000179.3(MSH6):c.3112T>C (p.Tyr1038His)

Gene: MSH6 (mutS homolog 6; plus strand). Cytogenetic location: 2p16.3.
Variant type: single nucleotide variant.
Coding change: c.3112T>C on transcript NM_000179.3 (MANE Select); coding-DNA position 3112, T replaced by C.
Protein change: p.Tyr1038His; replaces tyrosine 1038 with histidine.
Molecular consequence: missense variant.
Genome position (GRCh38, 1-based): chr2:47,801,095, T>C. VCF-style: chr2-47801095-T-C. GRCh37 (hg19) VCF-style: chr2-48028234-T-C.
Other names: c.2722T>C, p.Tyr908His (NM_001281492.2); c.2206T>C, p.Tyr736His (NM_001281493.2, NM_001281494.2); short protein forms Y1038H, Y908H, Y736H.
Identifiers: ClinVar variation 410534 (VCV000410534.21), dbSNP rs1060502947, ClinGen allele CA16611019.
Genomic context (GRCh38, chr2:47,801,095, plus strand): 5'-CTCATAAATGCTGAAGAACGGAGGGATGTATCATTGAAGGACTGCATGCGGCGACTGTTC[T>C]ATAACTTTGATAAAAATTACAAGGACTGGCAGTCTGCTGTAGAGTGTATCGCAGTGTTGG-3'
Protein context (NP_000170.1, residues 1028-1048): SLKDCMRRLF[Tyr1038His]NFDKNYKDWQ